The following is an entry in ClinVar:

ClinVar aggregate classification (germline): Uncertain significance (1 of 4 stars; one submission).

Conditions:
Severe combined immunodeficiency due to DNA-PKcs deficiency. Also called: IMMUNODEFICIENCY 26 WITH NEUROLOGIC ABNORMALITIES; Immunodeficiency 26 with or without neurologic abnormalities. Identifiers: Orphanet 317425, MedGen C4014833, MONDO:0014423, OMIM 615966.

Allele frequency attached by ClinVar (database versions not stated): gnomAD 0.00001; gnomAD exomes 0.00001; TOPMed 0.00001.
gnomAD v4.1: 22 of 1,594,032 alleles (0.0014%); highest among the groups gnomAD compares: Non-Finnish European, 0.0018%; no homozygotes.

Submission:

Labcorp Genetics (formerly Invitae), Labcorp
Classification: Uncertain significance for Severe combined immunodeficiency due to DNA-PKcs deficiency. Last evaluated: 2024-03-13. Review status: criteria provided, single submitter. Criteria: Invitae Variant Classification Sherloc (09022015). Collection method: clinical testing. Allele origin: germline.
Comment: This sequence change replaces phenylalanine, which is neutral and non-polar, with tyrosine, which is neutral and polar, at codon 3035 of the PRKDC protein (p.Phe3035Tyr). This variant is not present in population databases (gnomAD no frequency). This variant has not been reported in the literature in individuals affected with PRKDC-related conditions. ClinVar contains an entry for this variant (Variation ID: 860669). Advanced modeling of protein sequence and biophysical properties (such as structural, functional, and spatial information, amino acid conservation, physicochemical variation, residue mobility, and thermodynamic stability) performed at Invitae indicates that this missense variant is not expected to disrupt PRKDC protein function with a negative predictive value of 80%. In summary, the available evidence is currently insufficient to determine the role of this variant in disease. Therefore, it has been classified as a Variant of Uncertain Significance.

NM_006904.7(PRKDC):c.9104T>A (p.Phe3035Tyr)

Gene: PRKDC (protein kinase, DNA-activated, catalytic subunit; minus strand). Cytogenetic location: 8q11.21.
Variant type: single nucleotide variant.
Coding change: c.9104T>A on transcript NM_006904.7 (MANE Select); coding-DNA position 9104, T replaced by A.
Protein change: p.Phe3035Tyr; replaces phenylalanine 3035 with tyrosine.
Molecular consequence: missense variant.
Genome position (GRCh38, 1-based): chr8:47,821,611, A>T on the plus strand (T>A on the coding strand, the complement: PRKDC is on the minus strand). VCF-style: chr8-47821611-A-T. GRCh37 (hg19) VCF-style: chr8-48734172-A-T.
Other names: c.9104T>A, p.Phe3035Tyr (NM_001081640.2); short protein forms F3035Y.
Identifiers: ClinVar variation 860669 (VCV000860669.4), dbSNP rs1344992948, ClinGen allele CA371140133.